The following is an entry in ClinVar:

ClinVar aggregate classification (germline): Uncertain significance (1 of 4 stars; one submission).

Conditions:
Aortic valve disease 2 (AOVD2). Identifiers: MedGen C3542024, MONDO:0013902, OMIM 614823.

Submission:

Labcorp Genetics (formerly Invitae), Labcorp
Classification: Uncertain significance for Aortic valve disease 2. Last evaluated: 2023-12-05. Review status: criteria provided, single submitter. Criteria: Invitae Variant Classification Sherloc (09022015). Collection method: clinical testing. Allele origin: germline.
Comment: This sequence change creates a premature translational stop signal (p.Cys247*) in the SMAD6 gene. It is expected to result in an absent or disrupted protein product. However, the current clinical and genetic evidence is not sufficient to establish whether loss-of-function variants in SMAD6 cause disease. This variant is not present in population databases (gnomAD no frequency). This variant has not been reported in the literature in individuals affected with SMAD6-related conditions. In summary, the available evidence is currently insufficient to determine the role of this variant in disease. Therefore, it has been classified as a Variant of Uncertain Significance.

NM_005585.5(SMAD6):c.741C>A (p.Cys247Ter)

Gene: SMAD6 (SMAD family member 6; plus strand). Cytogenetic location: 15q22.31.
Variant type: single nucleotide variant.
Coding change: c.741C>A on transcript NM_005585.5 (MANE Select); coding-DNA position 741, C replaced by A.
Protein change: p.Cys247Ter; replaces cysteine 247 with a stop codon.
Molecular consequence: nonsense. On other transcripts: non-coding transcript variant (1).
Genome position (GRCh38, 1-based): chr15:66,703,999, C>A. VCF-style: chr15-66703999-C-A. GRCh37 (hg19) VCF-style: chr15-66996337-C-A.
Other names: short protein forms C247*.
Identifiers: ClinVar variation 2701174 (VCV002701174.3), dbSNP rs2140582642, ClinGen allele CA392950149.